The following is an entry in ClinVar:

ClinVar aggregate classification (germline): Benign. Review status: criteria provided, multiple submitters, no conflicts (2 of 4 stars). 2 submissions from 2 submitters: Benign (2). Last evaluated 2018-01-12.

Conditions:
Woodhouse-Sakati syndrome. Also called: Hypogonadism, Alopecia, Diabetes Mellitus, Mental Retardation, and Extrapyramidal Syndrome; Hypogonadism, diabetes mellitus, alopecia, mental retardation and electrocardiographic abnormalities; EXTRAPYRAMIDAL DISORDER, PROGRESSIVE, WITH PRIMARY HYPOGONADISM, MENTAL RETARDATION, AND ALOPECIA. Identifiers: Orphanet 3464, MedGen C0342286, MONDO:0009419, OMIM 241080.

Allele frequency attached by ClinVar (database versions not stated): 1000 Genomes Project 30x 0.97626; TOPMed 0.97774; ExAC 0.99861; gnomAD exomes 0.99602 and 0.99752; gnomAD 0.97908 and 0.98043; 1000 Genomes Project 0.97744.
gnomAD v4.1: 450,428 of 454,144 alleles (99%); highest among the groups gnomAD compares: East Asian, 100%; 223,499 homozygotes.

Submissions (2):

Illumina Laboratory Services, Illumina
Classification: Benign for Woodhouse-Sakati syndrome. Last evaluated: 2018-01-12. Review status: criteria provided, single submitter. Criteria: ICSL Variant Classification Criteria 13 December 2019. Collection method: clinical testing. Allele origin: germline.
Comment: This variant was observed in the ICSL laboratory as part of a predisposition screen in an ostensibly healthy population. It had not been previously curated by ICSL or reported in the Human Gene Mutation Database (HGMD: prior to June 1st, 2018), and was therefore a candidate for classification through an automated scoring system. Utilizing variant allele frequency, disease prevalence and penetrance estimates, and inheritance mode, an automated score was calculated to assess if this variant is too frequent to cause the disease. Based on the score and internal cut-off values, a variant classified as benign is not then subjected to further curation. The score for this variant resulted in a classification of benign for this disease.

Breakthrough Genomics
Classification: Benign. Review status: criteria provided, single submitter. Criteria: ACMG Guidelines, 2015. Collection method: not provided. Allele origin: germline. Inheritance: Autosomal recessive inheritance. Affected: yes.

NM_025000.4(DCAF17):c.*2340C>T

Gene: DCAF17 (DDB1 and CUL4 associated factor 17; plus strand). Cytogenetic location: 2q31.1.
Variant type: single nucleotide variant.
Coding change: c.*2340C>T on transcript NM_025000.4 (MANE Select); 2340 bases downstream of the stop codon, C replaced by T.
Molecular consequence: 3 prime UTR variant. On other transcripts: non-coding transcript variant (1).
Genome position (GRCh38, 1-based): chr2:171,483,454, C>T. VCF-style: chr2-171483454-C-T. GRCh37 (hg19) VCF-style: chr2-172339964-C-T.
Other names: c.*2340C>T (NM_001164821.2).
Identifiers: ClinVar variation 332297 (VCV000332297.6), dbSNP rs888428, ClinGen allele CA1965114.